The following is an entry in ClinVar:

NM_003413.4(ZIC3):c.439_441delinsTT (p.Leu147fs)

Gene: ZIC3 (Zic family zinc finger 3; plus strand). Cytogenetic location: Xq26.3.
Variant type: Indel.
Coding change: c.439_441delinsTT on transcript NM_003413.4 (MANE Select); coding-DNA positions 439 to 441, CTG replaced by TT.
Protein change: p.Leu147fs; shifts the reading frame from leucine 147.
Molecular consequence: frameshift variant.
Genome position (GRCh38, 1-based): chrX:137,567,130-137,567,132, CTG replaced by TT. VCF-style: chrX-137567130-CTG-TT. GRCh37 (hg19) VCF-style: chrX-136649289-CTG-TT.
Other names: c.439_441delinsTT, p.Leu147fs (NM_001330661.1); short protein forms L147fs.
Identifiers: ClinVar variation 4991117 (VCV004991117.1).

ClinVar aggregate classification (germline): Likely pathogenic (1 of 4 stars; one submission).

Conditions:
ZIC3-related disorder. Also called: ZIC3-Related Disorders; ZIC3-related condition.

Submission:

PreventionGenetics, part of Exact Sciences
Classification: Likely pathogenic for ZIC3-related condition. Last evaluated: 2026-05-05. Review status: criteria provided, single submitter. Criteria: ACMG Guidelines, 2015. Collection method: clinical testing. Allele origin: germline.
Comment: The ZIC3 c.439_441delinsTT variant is predicted to result in a frameshift and premature protein termination (p.Leu147Phefs*76). To our knowledge, this variant has not been reported in the literature or in a large population database (gnomAD), indicating this variant is rare. Frameshift variants in ZIC3 are expected to be pathogenic. This variant is interpreted as likely pathogenic.